The following is an entry in ClinVar:

ClinVar aggregate classification (germline): Likely benign (0 of 4 stars; one submission).

Conditions:
VPS51-related disorder. Also called: VPS51-related condition.

Allele frequency attached by ClinVar (database versions not stated): TOPMed 0.00001.

Submission:

PreventionGenetics, part of Exact Sciences
Classification: Likely benign for VPS51-related condition. Last evaluated: 2023-09-27. Review status: no assertion criteria provided. Collection method: clinical testing. Allele origin: germline.
Comment: This variant is classified as likely benign based on ACMG/AMP sequence variant interpretation guidelines (Richards et al. 2015 PMID: 25741868, with internal and published modifications).

NM_013265.4(VPS51):c.1908C>A (p.Arg636=)

Gene: VPS51 (VPS51 subunit of GARP complex; plus strand). Cytogenetic location: 11q13.1.
Variant type: single nucleotide variant.
Coding change: c.1908C>A on transcript NM_013265.4 (MANE Select); coding-DNA position 1908, C replaced by A.
Protein change: p.Arg636=; no amino-acid change (arginine 636 retained).
Molecular consequence: synonymous variant. On other transcripts: non-coding transcript variant (1).
Genome position (GRCh38, 1-based): chr11:65,110,511, C>A. VCF-style: chr11-65110511-C-A. GRCh37 (hg19) VCF-style: chr11-64877983-C-A.
Identifiers: ClinVar variation 3059741 (VCV003059741.2), dbSNP rs760983305, ClinGen allele CA475003905.